The following is an entry in ClinVar:

NM_006495.4(EVI2B):c.157G>A (p.Gly53Arg)

Genes: EVI2B (ecotropic viral integration site 2B; minus strand), NF1 (neurofibromin 1; plus strand). Cytogenetic location: 17q11.2.
Variant type: single nucleotide variant.
Coding change: c.157G>A on transcript NM_006495.4 (MANE Select); coding-DNA position 157, G replaced by A.
Protein change: p.Gly53Arg; replaces glycine 53 with arginine.
Molecular consequence: missense variant. On other transcripts: intron variant (2).
Genome position (GRCh38, 1-based): chr17:31,305,453, C>T on the plus strand (G>A on the coding strand, the complement: EVI2B is on the minus strand). VCF-style: chr17-31305453-C-T. GRCh37 (hg19) VCF-style: chr17-29632471-C-T.
Other names: c.4836-20367C>T (NM_001042492.3); c.4773-20367C>T (NM_000267.4); short protein forms G53R.
Identifiers: ClinVar variation 376784 (VCV000376784.7), dbSNP rs9903564, ClinGen allele CA8486850.

ClinVar aggregate classification (germline): Benign/Likely benign. Review status: criteria provided, multiple submitters, no conflicts (2 of 4 stars). 3 submissions from 3 submitters: Benign (1); Likely benign (2). Last evaluated 2019-01-03.

Allele frequency attached by ClinVar (database versions not stated): gnomAD exomes 0.00210; ExAC 0.00238; gnomAD 0.00769 and 0.00823; 1000 Genomes Project 0.00879; TOPMed 0.00899; ESP Exome Variant Server 0.00900; 1000 Genomes Project 30x 0.01015.
gnomAD v4.1: 2,325 of 1,614,116 alleles (0.14%); highest among the groups gnomAD compares: African/African-American, 2.8%; 40 homozygotes.

Submissions (3):

Labcorp Genetics (formerly Invitae), Labcorp
Classification: Benign. Last evaluated: 2019-01-03. Review status: criteria provided, single submitter. Criteria: Invitae Variant Classification Sherloc (09022015). Collection method: clinical testing. Allele origin: germline.

Center for Pediatric Genomic Medicine, Children's Mercy Hospital and Clinics
Classification: Likely benign. Last evaluated: 2016-10-11. Review status: criteria provided, single submitter. Criteria: ACMG Guidelines, 2015. Collection method: clinical testing. Allele origin: germline.
ClinVar note: Converted during submission from Likely Benign to Likely benign.

Breakthrough Genomics
Classification: Likely benign. Review status: criteria provided, single submitter. Criteria: ACMG Guidelines, 2015. Collection method: not provided. Allele origin: germline. Inheritance: Unknown mechanism. Affected: yes.